The following is an entry in ClinVar:

NM_006070.6(TFG):c.566A>G (p.Asp189Gly)

Gene: TFG (trafficking from ER to golgi regulator; plus strand). Cytogenetic location: 3q12.2.
Variant type: single nucleotide variant.
Coding change: c.566A>G on transcript NM_006070.6 (MANE Select); coding-DNA position 566, A replaced by G.
Protein change: p.Asp189Gly; replaces aspartic acid 189 with glycine.
Molecular consequence: missense variant.
Genome position (GRCh38, 1-based): chr3:100,732,658, A>G. VCF-style: chr3-100732658-A-G. GRCh37 (hg19) VCF-style: chr3-100451502-A-G.
Other names: c.566A>G, p.Asp189Gly (NM_001007565.2, NM_001195478.2, NM_001195479.2); short protein forms D189G.
Identifiers: ClinVar variation 618425 (VCV000618425.9), dbSNP rs749073068, ClinGen allele CA2517109.

ClinVar aggregate classification (germline): Uncertain significance (1 of 4 stars; one submission).

Allele frequency attached by ClinVar (database versions not stated): gnomAD exomes below 0.00001; ExAC 0.00001.
gnomAD v4.1: 3 of 1,609,746 alleles (0.00019%); highest among the groups gnomAD compares: Non-Finnish European, 0.00017%; no homozygotes.

Submission:

ARUP Laboratories, Molecular Genetics and Genomics, ARUP Laboratories
Classification: Uncertain significance. Last evaluated: 2017-07-18. Review status: criteria provided, single submitter. Criteria: ARUP Molecular Germline Variant Investigation Process. Collection method: clinical testing. Allele origin: germline.
Comment: The p.Asp189Gly variant (rs749073068) has not been reported in the medical literature, is not listed in gene-specific variant databases, nor has it been previously identified in our laboratory. It is listed in the Genome Aggregation Database (gnomAD) browser with an overall frequency of 0.0004% (identified in 1 out of 240,616 chromosomes). The aspartic acid at codon 189 is moderately conserved considering 11 species (Alamut software v2.9), and computational analyses returns mixed results regarding the effect of this variant on TFG protein structure/function (SIFT: damaging, PolyPhen2: benign, and Mutation Taster: disease causing). Thus, based on the available information, the clinical significance of the p.Asp189Gly variant cannot be determined with certainty.